The following is an entry in ClinVar:

ClinVar aggregate classification (germline): Uncertain significance. Review status: criteria provided, multiple submitters, no conflicts (2 of 4 stars). 2 submissions from 2 submitters: Uncertain significance (2). Last evaluated 2026-03-09.

Conditions:
TBX1-related disorder. Also called: TBX1-Related Disorders; TBX1-related condition.
DiGeorge syndrome. Also called: THIRD AND FOURTH PHARYNGEAL POUCH SYNDROME; Catch22. Identifiers: Orphanet 567, MedGen C0012236, MONDO:0008564, OMIM 188400.

Submissions (2):

PreventionGenetics, part of Exact Sciences
Classification: Uncertain significance for TBX1-related condition. Last evaluated: 2026-03-09. Review status: criteria provided, single submitter. Criteria: ACMG Guidelines, 2015. Collection method: clinical testing. Allele origin: germline.
Comment: The TBX1 c.1234C>A variant is predicted to result in the amino acid substitution p.His412Asn. To our knowledge, this variant has not been reported in the literature or in a large population database, indicating this variant is rare. At this time, the clinical significance of this variant is uncertain due to the absence of conclusive functional and genetic evidence.

Labcorp Genetics (formerly Invitae), Labcorp
Classification: Uncertain significance for DiGeorge syndrome. Last evaluated: 2024-10-17. Review status: criteria provided, single submitter. Criteria: Invitae Variant Classification Sherloc (09022015). Collection method: clinical testing. Allele origin: germline.
Comment: This sequence change replaces histidine, which is basic and polar, with asparagine, which is neutral and polar, at codon 412 of the TBX1 protein (p.His412Asn). This variant is not present in population databases (gnomAD no frequency). This variant has not been reported in the literature in individuals affected with TBX1-related conditions. ClinVar contains an entry for this variant (Variation ID: 578044). An algorithm developed to predict the effect of missense changes on protein structure and function (PolyPhen-2) suggests that this variant is likely to be disruptive. In summary, the available evidence is currently insufficient to determine the role of this variant in disease. Therefore, it has been classified as a Variant of Uncertain Significance.

NM_001379200.1(TBX1):c.1261C>A (p.His421Asn)

Gene: TBX1 (T-box transcription factor 1; plus strand). Cytogenetic location: 22q11.21.
Variant type: single nucleotide variant.
Coding change: c.1261C>A on transcript NM_001379200.1 (MANE Select); coding-DNA position 1261, C replaced by A.
Protein change: p.His421Asn; replaces histidine 421 with asparagine.
Molecular consequence: missense variant. On other transcripts: intron variant (2).
Genome position (GRCh38, 1-based): chr22:19,766,613, C>A. VCF-style: chr22-19766613-C-A. GRCh37 (hg19) VCF-style: chr22-19754136-C-A.
Other names: c.1234C>A, p.His412Asn (NM_080647.1); c.1009+611C>A (NM_005992.1, NM_080646.2); short protein forms H412N, H421N.
Identifiers: ClinVar variation 578044 (VCV000578044.9), dbSNP rs985907694, ClinGen allele CA322058432.